The following is an entry in ClinVar:

NM_016292.3(TRAP1):c.812G>A (p.Arg271Gln)

Gene: TRAP1 (TNF receptor associated protein 1; minus strand). Cytogenetic location: 16p13.3.
Variant type: single nucleotide variant.
Coding change: c.812G>A on transcript NM_016292.3 (MANE Select); coding-DNA position 812, G replaced by A.
Protein change: p.Arg271Gln; replaces arginine 271 with glutamine.
Molecular consequence: missense variant.
Genome position (GRCh38, 1-based): chr16:3,676,038, C>T on the plus strand (G>A on the coding strand, the complement: TRAP1 is on the minus strand). VCF-style: chr16-3676038-C-T. GRCh37 (hg19) VCF-style: chr16-3726039-C-T.
Other names: c.653G>A, p.Arg218Gln (NM_001272049.2); short protein forms R271Q, R218Q.
Identifiers: ClinVar variation 2702407 (VCV002702407.3), dbSNP rs201753276, ClinGen allele CA7868491.

ClinVar aggregate classification (germline): Uncertain significance (1 of 4 stars; one submission).

Allele frequency attached by ClinVar (database versions not stated): 1000 Genomes Project 0.00040; 1000 Genomes Project 30x 0.00047.
gnomAD v4.1: 74 of 1,612,528 alleles (0.0046%); highest among the groups gnomAD compares: East Asian, 0.0089%; no homozygotes.

Submission:

Labcorp Genetics (formerly Invitae), Labcorp
Classification: Uncertain significance. Last evaluated: 2025-07-01. Review status: criteria provided, single submitter. Criteria: Invitae Variant Classification Sherloc (09022015). Collection method: clinical testing. Allele origin: germline.
Comment: This sequence change replaces arginine, which is basic and polar, with glutamine, which is neutral and polar, at codon 271 of the TRAP1 protein (p.Arg271Gln). This variant is present in population databases (rs201753276, gnomAD 0.01%). This variant has not been reported in the literature in individuals affected with TRAP1-related conditions. ClinVar contains an entry for this variant (Variation ID: 2702407). An algorithm developed to predict the effect of missense changes on protein structure and function outputs the following: PolyPhen-2: "Benign". The glutamine amino acid residue is found in multiple mammalian species, which suggests that this missense change does not adversely affect protein function. In summary, the available evidence is currently insufficient to determine the role of this variant in disease. Therefore, it has been classified as a Variant of Uncertain Significance.